The following is an entry in ClinVar:

NM_201384.3(PLEC):c.12590G>A (p.Arg4197His)

Gene: PLEC (plectin; minus strand). Cytogenetic location: 8q24.3.
Variant type: single nucleotide variant.
Coding change: c.12590G>A on transcript NM_201384.3 (MANE Select); coding-DNA position 12590, G replaced by A.
Protein change: p.Arg4197His; replaces arginine 4197 with histidine.
Molecular consequence: missense variant.
Genome position (GRCh38, 1-based): chr8:143,917,231, C>T on the plus strand (G>A on the coding strand, the complement: PLEC is on the minus strand). VCF-style: chr8-143917231-C-T. GRCh37 (hg19) VCF-style: chr8-144991399-C-T.
Other names: c.12671G>A, p.Arg4224His (NM_000445.5); c.9290G>A, p.Arg3097His (NM_001410941.1); c.12548G>A, p.Arg4183His (NM_201378.4); c.12524G>A, p.Arg4175His (NM_201379.3); c.13001G>A, p.Arg4334His (NM_201380.4); c.12494G>A, p.Arg4165His (NM_201381.3); c.12590G>A, p.Arg4197His (NM_201382.4); c.12602G>A, p.Arg4201His (NM_201383.3); short protein forms R4175H, R4197H, R3097H, R4165H, R4201H, R4183H, R4224H, R4334H.
Identifiers: ClinVar variation 4789996 (VCV004789996.1).

ClinVar aggregate classification (germline): Uncertain significance (1 of 4 stars; one submission).

Conditions:
Epidermolysis bullosa simplex with nail dystrophy (EBS5D). Identifiers: MedGen C4225309, MONDO:0014661, OMIM 616487.
Epidermolysis bullosa simplex, Ogna type (EBS5A). Also called: EPIDERMOLYSIS BULLOSA SIMPLEX 5A, OGNA TYPE; Pidermolysis bullosa simplex 5A, Ogna type. Identifiers: Orphanet 79401, MedGen C0432317, MONDO:0007555, OMIM 131950.
Autosomal recessive limb-girdle muscular dystrophy type 2Q (LGMDR17). Also called: MUSCULAR DYSTROPHY, LIMB-GIRDLE, AUTOSOMAL RECESSIVE 17. Identifiers: Orphanet 254361, MedGen C3150989, MONDO:0013390, OMIM 613723.
Epidermolysis bullosa simplex 5B, with muscular dystrophy (EBS5B). Also called: EPIDERMOLYSIS BULLOSA SIMPLEX AND LIMB-GIRDLE MUSCULAR DYSTROPHY; Epidermolysis bullosa simplex with muscular dystrophy. Identifiers: Orphanet 257, MedGen C2931072, MONDO:0009181, OMIM 226670.
Epidermolysis bullosa simplex 5C, with pyloric atresia (EBS5C). Also called: PLEC-Related Epidermolysis Bullosa with Pyloric Atresia; Epidermolysis bullosa simplex with pyloric atresia; PLEC1-Related Epidermolysis Bullosa with Pyloric Atresia. Identifiers: Orphanet 158684, MedGen C2677349, MONDO:0012807, OMIM 612138.

gnomAD v4.1: 9 of 1,612,712 alleles (0.00056%); highest among the groups gnomAD compares: Non-Finnish European, 0.00076%; no homozygotes.

Submission:

Labcorp Genetics (formerly Invitae), Labcorp
Classification: Uncertain significance for Autosomal recessive limb-girdle muscular dystrophy type 2Q; Epidermolysis bullosa simplex, Ogna type; Epidermolysis bullosa simplex with nail dystrophy; Epidermolysis bullosa simplex 5C, with pyloric atresia; Epidermolysis bullosa simplex 5B, with muscular dystrophy. Last evaluated: 2025-02-26. Review status: criteria provided, single submitter. Criteria: Invitae Variant Classification Sherloc (09022015). Collection method: clinical testing. Allele origin: germline.
Comment: This sequence change replaces arginine, which is basic and polar, with histidine, which is basic and polar, at codon 4224 of the PLEC protein (p.Arg4224His). The frequency data for this variant in the population databases is considered unreliable, as metrics indicate poor data quality at this position in the gnomAD database. This variant has not been reported in the literature in individuals affected with PLEC-related conditions. Invitae Evidence Modeling of protein sequence and biophysical properties (such as structural, functional, and spatial information, amino acid conservation, physicochemical variation, residue mobility, and thermodynamic stability) has been performed for this missense variant. However, the output from this modeling did not meet the statistical confidence thresholds required to predict the impact of this variant on PLEC protein function. In summary, the available evidence is currently insufficient to determine the role of this variant in disease. Therefore, it has been classified as a Variant of Uncertain Significance.